The following is an entry in ClinVar:

ClinVar aggregate classification (germline): Uncertain significance (1 of 4 stars; one submission).

Submission:

Dasa
Classification: Uncertain significance. Last evaluated: 2026-04-16. Review status: criteria provided, single submitter. Criteria: DASA Assertion Criteria. Collection method: clinical testing. Allele origin: germline.
Comment: NM_000363.5(TNNI3):c.419A>G (p.Lys140Arg) is a missense variant that results in the substitution of lysine with arginine. This variant is absent from population databases. Computational prediction algorithms are consistent with a deleterious effect. The currently available literature and clinical evidence are not sufficient to establish a definitive association between this variant and the reported condition. Therefore, this variant is classified as a variant of uncertain significance.

NM_000363.5(TNNI3):c.419A>G (p.Lys140Arg)

Gene: TNNI3 (troponin I3, cardiac type; minus strand). Cytogenetic location: 19q13.42.
Variant type: single nucleotide variant.
Coding change: c.419A>G on transcript NM_000363.5 (MANE Select); coding-DNA position 419, A replaced by G.
Protein change: p.Lys140Arg; replaces lysine 140 with arginine.
Molecular consequence: missense variant.
Genome position (GRCh38, 1-based): chr19:55,154,160, T>C on the plus strand (A>G on the coding strand, the complement: TNNI3 is on the minus strand). VCF-style: chr19-55154160-T-C. GRCh37 (hg19) VCF-style: chr19-55665528-T-C.
Other names: short protein forms K140R.
Identifiers: ClinVar variation 4883677 (VCV004883677.2).